The following is an entry in ClinVar:

ClinVar aggregate classification (germline): Uncertain significance. Review status: criteria provided, multiple submitters, no conflicts (2 of 4 stars). 2 submissions from 2 submitters: Uncertain significance (2). Last evaluated 2026-07-23.

Conditions:
CTNND2-related disorder. Also called: CTNND2-related condition.
Inborn genetic diseases. Identifiers: MedGen C0950123, MeSH D030342.

Allele frequency attached by ClinVar (database versions not stated): TOPMed 0.00002.

Submissions (2):

PreventionGenetics, part of Exact Sciences
Classification: Uncertain significance for CTNND2-related condition. Last evaluated: 2026-07-23. Review status: criteria provided, single submitter. Criteria: ACMG Guidelines, 2015. Collection method: clinical testing. Allele origin: germline.
Comment: The CTNND2 c.2429G>T variant is predicted to result in the amino acid substitution p.Gly810Val. To our knowledge, this variant has not been reported in the literature or in a large population database (gnomAD), indicating this variant is rare. At this time, the clinical significance of this variant is uncertain due to the absence of conclusive functional and genetic evidence.

Ambry Genetics
Classification: Uncertain significance for Inborn genetic diseases. Last evaluated: 2021-09-16. Review status: criteria provided, single submitter. Criteria: Ambry Variant Classification Scheme 2023. Collection method: clinical testing. Allele origin: germline.

NM_001332.4(CTNND2):c.2429G>T (p.Gly810Val)

Gene: CTNND2 (catenin delta 2; minus strand). Cytogenetic location: 5p15.2.
Variant type: single nucleotide variant.
Coding change: c.2429G>T on transcript NM_001332.4 (MANE Select); coding-DNA position 2429, G replaced by T.
Protein change: p.Gly810Val; replaces glycine 810 with valine.
Molecular consequence: missense variant. On other transcripts: non-coding transcript variant (1).
Genome position (GRCh38, 1-based): chr5:11,110,892, C>A on the plus strand (G>T on the coding strand, the complement: CTNND2 is on the minus strand). VCF-style: chr5-11110892-C-A. GRCh37 (hg19) VCF-style: chr5-11111004-C-A.
Other names: c.2156G>T, p.Gly719Val (NM_001288715.1); c.1418G>T, p.Gly473Val (NM_001288716.1, NM_001364128.2); c.1130G>T, p.Gly377Val (NM_001288717.2); c.2429G>T (NM_001332.3); short protein forms G377V, G473V, G719V, G810V.
Identifiers: ClinVar variation 2250218 (VCV002250218.3), dbSNP rs1752894578, ClinGen allele CA359280235.